The following is an entry in ClinVar:

NM_178229.5(IQGAP3):c.3798C>T (p.Asp1266=)

Gene: IQGAP3 (IQ motif containing GTPase activating protein 3; minus strand). Cytogenetic location: 1q22.
Variant type: single nucleotide variant.
Coding change: c.3798C>T on transcript NM_178229.5 (MANE Select); coding-DNA position 3798, C replaced by T.
Protein change: p.Asp1266=; no amino-acid change (aspartic acid 1266 retained).
Molecular consequence: synonymous variant.
Genome position (GRCh38, 1-based): chr1:156,534,084, G>A on the plus strand (C>T on the coding strand, the complement: IQGAP3 is on the minus strand). VCF-style: chr1-156534084-G-A. GRCh37 (hg19) VCF-style: chr1-156503876-G-A.
Identifiers: ClinVar variation 3040922 (VCV003040922.2), dbSNP rs34620734, ClinGen allele CA1160911.
Genomic context (GRCh38, chr1:156,534,084, plus strand): 5'-CAGCTCCCCCACGGTGATGTACACCATGGGTTTGGCCACAGCCACCATGTCTGAGTACTC[G>A]TCCACTGCAAAACGCTCCTCTGGCTCTGGCACCTGGCAGGCTCTATGGATGAACTTCCTG-3'
Protein context (NP_839943.3, residues 1256-1276): VPEPEERFAV[Asp1266=]EYSDMVAVAK

ClinVar aggregate classification (germline): Likely benign (0 of 4 stars; one submission).

Conditions:
IQGAP3-related disorder. Also called: IQGAP3-related condition.

Allele frequency attached by ClinVar (database versions not stated): ESP Exome Variant Server 0.00008; ExAC 0.00016; gnomAD exomes 0.00019; 1000 Genomes Project 0.00020; gnomAD 0.00024; TOPMed 0.00026; 1000 Genomes Project 30x 0.00031.
gnomAD v4.1: 331 of 1,613,996 alleles (0.021%); highest among the groups gnomAD compares: Middle Eastern, 0.21%; no homozygotes.

Submission:

PreventionGenetics, part of Exact Sciences
Classification: Likely benign for IQGAP3-related condition. Last evaluated: 2019-09-10. Review status: no assertion criteria provided. Collection method: clinical testing. Allele origin: germline.
Comment: This variant is classified as likely benign based on ACMG/AMP sequence variant interpretation guidelines (Richards et al. 2015 PMID: 25741868, with internal and published modifications).